The following is an entry in ClinVar:

ClinVar aggregate classification (germline): Conflicting classifications of pathogenicity. Review status: criteria provided, conflicting classifications (1 of 4 stars). 3 submissions from 3 submitters: Uncertain significance (2); Likely benign (1). Last evaluated 2023-03-23.

Conditions:
Hereditary cancer-predisposing syndrome. Also called: Hereditary Cancer Syndrome; Hereditary neoplastic syndrome; Neoplastic Syndromes, Hereditary; Tumor predisposition. Identifiers: Orphanet 140162, MedGen C0027672, MeSH D009386, MONDO:0015356.
Hereditary breast ovarian cancer syndrome. Also called: Hereditary breast and ovarian cancer; Breast and ovarian cancer; Hereditary breast and ovarian cancer syndrome; Hereditary breast and/or ovarian cancer syndrome; BRCA1- and BRCA2-Associated Hereditary Breast and Ovarian Cancer; Hereditary breast and ovarian cancer syndrome (HBOC). Identifiers: Orphanet 145, MedGen C0677776, MeSH D061325, MONDO:0003582. Disease mechanism: loss of function.

Allele frequency attached by ClinVar (database versions not stated): gnomAD exomes below 0.00001.
gnomAD v4.1: 1 of 1,613,788 alleles (0.000062%); highest among the groups gnomAD compares: Middle Eastern, 0.017%; no homozygotes.

Submissions (3):

University of Washington Department of Laboratory Medicine, University of Washington
Classification: Likely benign for Hereditary cancer-predisposing syndrome. Last evaluated: 2023-03-23. Review status: criteria provided, single submitter. Criteria: Dines et al. (Genet Med. 2020). Collection method: curation. Allele origin: germline.
Comment: Missense variant in a coldspot region where missense variants are very unlikely to be pathogenic (PMID:31911673).

BRCA1 coldspot (exon 11 using historical exon numbering). Reclassification based on statistical prior probability

Labcorp Genetics (formerly Invitae), Labcorp
Classification: Uncertain significance for Hereditary breast ovarian cancer syndrome. Last evaluated: 2022-04-22. Review status: criteria provided, single submitter. Criteria: Invitae Variant Classification Sherloc (09022015). Collection method: clinical testing. Allele origin: germline.
Comment: ClinVar contains an entry for this variant (Variation ID: 441310). Advanced modeling of protein sequence and biophysical properties (such as structural, functional, and spatial information, amino acid conservation, physicochemical variation, residue mobility, and thermodynamic stability) performed at Invitae indicates that this missense variant is not expected to disrupt BRCA1 protein function. Algorithms developed to predict the effect of sequence changes on RNA splicing suggest that this variant may create or strengthen a splice site. In summary, the available evidence is currently insufficient to determine the role of this variant in disease. Therefore, it has been classified as a Variant of Uncertain Significance. This variant has not been reported in the literature in individuals affected with BRCA1-related conditions. This sequence change replaces leucine, which is neutral and non-polar, with phenylalanine, which is neutral and non-polar, at codon 1340 of the BRCA1 protein (p.Leu1340Phe). This variant is not present in population databases (gnomAD no frequency).

Ambry Genetics
Classification: Uncertain significance for Hereditary cancer-predisposing syndrome. Last evaluated: 2015-12-30. Review status: criteria provided, single submitter. Criteria: Ambry Variant Classification Scheme 2023. Collection method: clinical testing. Allele origin: germline.
Comment: The p.L1340F variant (also known as c.4020G>T), located in coding exon 9 of the BRCA1 gene, results from a G to T substitution at nucleotide position 4020. The leucine at codon 1340 is replaced by phenylalanine, an amino acid with highly similar properties. This variant was not reported in population based cohorts in the following databases: Database of Single Nucleotide Polymorphisms (dbSNP), NHLBI Exome Sequencing Project (ESP), and 1000 Genomes Project. In the ESP, this variant was not observed in 6503 samples (13006 alleles) with coverage of 6503 at this position. To date, this alteration has been detected with an allele frequency of approximately 0.0004% (greater than 225000 alleles tested) in our clinical cohort. This amino acid position is not well conserved in available vertebrate species. In addition, the in silico prediction for this alteration is inconclusive. Since supporting evidence is limited at this time, the clinical significance of this variant remains unclear.

NM_007294.4(BRCA1):c.4020G>T (p.Leu1340Phe)

Genes: BRCA1 (BRCA1 DNA repair associated; minus strand), LOC126862571 (BRD4-independent group 4 enhancer GRCh37_chr17:41243136-41244335; plus strand). Cytogenetic location: 17q21.31.
Variant type: single nucleotide variant.
Coding change: c.4020G>T on transcript NM_007294.4 (MANE Select); coding-DNA position 4020, G replaced by T.
Protein change: p.Leu1340Phe; replaces leucine 1340 with phenylalanine.
Molecular consequence: missense variant. On other transcripts: intron variant (135).
Genome position (GRCh38, 1-based): chr17:43,091,511, C>A on the plus strand (G>T on the coding strand, the complement: BRCA1 is on the minus strand). VCF-style: chr17-43091511-C-A. GRCh37 (hg19) VCF-style: chr17-41243528-C-A.
Other names: c.3816G>T, p.Leu1272Phe (NM_001407874.1, NM_001407875.1); c.3939G>T, p.Leu1313Phe (NM_001407659.1, NM_001407660.1, NM_001407661.1 and 1 more transcripts); c.3942G>T, p.Leu1314Phe (NM_001407663.1, NM_001407653.1, NM_001407654.1 and 4 more transcripts); c.3897G>T, p.Leu1299Phe (NM_001407665.1, NM_001407664.1, NM_001407863.1 and 19 more transcripts); c.3810G>T, p.Leu1270Phe (NM_001407879.1, NM_001407881.1, NM_001407885.1 and 13 more transcripts); c.4020G>T, p.Leu1340Phe (NM_001407859.1, NM_007300.4, NM_001407581.1 and 30 more transcripts); c.4017G>T, p.Leu1339Phe (NM_001407860.1, NM_001407861.1, NM_001407587.1 and 22 more transcripts); c.3819G>T, p.Leu1273Phe (NM_001407862.1); and 41 more; short protein forms L1340F, L1293F, L1044F, L1213F, L1251F, L1269F, L1337F, L1172F.
Identifiers: ClinVar variation 441310 (VCV000441310.13), dbSNP rs1555586637, ClinGen allele CA10593918.